The following is an entry in ClinVar:

ClinVar aggregate classification (germline): Benign. Review status: criteria provided, multiple submitters, no conflicts (2 of 4 stars). 2 submissions from 2 submitters: Benign (2). Last evaluated 2018-06-14.

Allele frequency attached by ClinVar (database versions not stated): 1000 Genomes Project 0.22185; TOPMed 0.27339; gnomAD 0.28148 and 0.28326; ESP Exome Variant Server 0.29410; ExAC 0.30651.
gnomAD v4.1: 555,331 of 1,606,138 alleles (35%); highest among the groups gnomAD compares: Non-Finnish European, 38%; 100,633 homozygotes.

Submissions (2):

GeneDx
Classification: Benign. Last evaluated: 2018-06-14. Review status: criteria provided, single submitter. Criteria: GeneDx Variant Classification (06012015). Collection method: clinical testing. Allele origin: germline. Affected: yes.
Comment: This variant is considered likely benign or benign based on one or more of the following criteria: it is a conservative change, it occurs at a poorly conserved position in the protein, it is predicted to be benign by multiple in silico algorithms, and/or has population frequency not consistent with disease.

Breakthrough Genomics
Classification: Benign. Review status: criteria provided, single submitter. Criteria: ACMG Guidelines, 2015. Collection method: not provided. Allele origin: germline. Inheritance: Autosomal recessive inheritance. Affected: yes.

NM_002615.7(SERPINF1):c.85-42G>A

Gene: SERPINF1 (serpin family F member 1; plus strand). Cytogenetic location: 17p13.3.
Variant type: single nucleotide variant.
Coding change: c.85-42G>A on transcript NM_002615.7 (MANE Select); 42 bases into the intron before coding-DNA position 85, G replaced by A.
Molecular consequence: intron variant.
Genome position (GRCh38, 1-based): chr17:1,769,810, G>A. VCF-style: chr17-1769810-G-A. GRCh37 (hg19) VCF-style: chr17-1673104-G-A.
Other names: c.-477-42G>A (NM_001329904.2); c.85-42G>A (NM_001329903.2).
Identifiers: ClinVar variation 674942 (VCV000674942.2), dbSNP rs11658342, ClinGen allele CA8274527.